The following is an entry in ClinVar:

ClinVar aggregate classification (germline): Benign. Review status: criteria provided, multiple submitters, no conflicts (2 of 4 stars). 9 submissions from 8 submitters: Benign (6). 3 of the submissions do not count toward it. Last evaluated 2024-11-28.

Conditions:
Hydrocephalus, congenital, 3, with brain anomalies. Also called: HYDROCEPHALUS, NONSYNDROMIC, AUTOSOMAL RECESSIVE 3. Identifiers: MedGen C4747885, MONDO:0054794, OMIM 617967.
Cerebellar ataxia, impaired intellectual development, and dysequilibrium syndrome 2. Also called: CEREBELLAR ATAXIA, MENTAL RETARDATION, AND DYSEQUILIBRIUM SYNDROME 2; CEREBELLAR ATAXIA AND MENTAL RETARDATION WITH OR WITHOUT QUADRUPEDAL LOCOMOTION 2; Cerebellar ataxia, intellectual disability, and dysequilibrium syndrome 2. Identifiers: Orphanet 1766, MedGen C2750234, MONDO:0012430, OMIM 610185.

Allele frequency attached by ClinVar (database versions not stated): ESP Exome Variant Server 0.72297; TOPMed 0.73257; gnomAD 0.73341 and 0.73659; ExAC 0.75260; 1000 Genomes Project 0.76238; 1000 Genomes Project 30x 0.76280.
gnomAD v4.1: 1,197,110 of 1,612,492 alleles (74%); highest among the groups gnomAD compares: East Asian, 91%; 445,265 homozygotes.

Submissions (9):

Blueprint Genetics
Classification: Benign. Last evaluated: 2024-11-28. Review status: criteria provided, single submitter. Criteria: ACMG Guidelines, 2015. Collection method: clinical testing. Allele origin: germline.

Mayo Clinic Laboratories, Mayo Clinic
Classification: Benign. Last evaluated: 2022-03-24. Review status: criteria provided, single submitter. Criteria: ACMG Guidelines, 2015. Collection method: clinical testing. Allele origin: germline. Observed: 448 variant alleles.

Genome-Nilou Lab
Classification: Benign for Cerebellar ataxia, impaired intellectual development, and dysequilibrium syndrome 2. Last evaluated: 2021-07-14. Review status: criteria provided, single submitter. Criteria: ACMG Guidelines, 2015. Collection method: clinical testing. Allele origin: germline. Affected: no.

Genome-Nilou Lab
Classification: Benign for Hydrocephalus, congenital, 3, with brain anomalies. Last evaluated: 2021-07-14. Review status: criteria provided, single submitter. Criteria: ACMG Guidelines, 2015. Collection method: clinical testing. Allele origin: germline. Affected: no.

GeneDx
Classification: Benign. Last evaluated: 2015-03-03. Review status: criteria provided, single submitter. Criteria: GeneDx Variant Classification Process June 2021. Collection method: clinical testing. Allele origin: germline. Affected: yes.

Breakthrough Genomics
Classification: Benign. Review status: criteria provided, single submitter. Criteria: ACMG Guidelines, 2015. Collection method: not provided. Allele origin: germline. Inheritance: Autosomal recessive inheritance. Affected: yes.

Clinical Genetics DNA and cytogenetics Diagnostics Lab, Erasmus MC, Erasmus Medical Center
Classification: Benign. Review status: no assertion criteria provided. Collection method: clinical testing. Allele origin: germline. Affected: yes. Study: VKGL Data-share Consensus. Not counted in ClinVar's aggregate classification.

Diagnostic Laboratory, Department of Genetics, University Medical Center Groningen
Classification: Benign for Cerebellar ataxia, impaired intellectual development, and dysequilibrium syndrome 2. Review status: no assertion criteria provided. Collection method: clinical testing. Allele origin: germline. Affected: yes. Study: VKGL Data-share Consensus. Not counted in ClinVar's aggregate classification.

Genetic Services Laboratory, University of Chicago
Classification: Likely benign for AllHighlyPenetrant. Review status: no assertion criteria provided. Collection method: clinical testing. Allele origin: germline. Inheritance: Autosomal recessive inheritance. Not counted in ClinVar's aggregate classification.
Comment: Likely benign based on allele frequency in 1000 Genomes Project or ESP global frequency and its presence in a patient with a rare or unrelated disease phenotype. NOT Sanger confirmed.

NM_001163809.2(WDR81):c.4971A>G (p.Leu1657=)

Gene: WDR81 (WD repeat domain 81; plus strand). Cytogenetic location: 17p13.3.
Variant type: single nucleotide variant.
Coding change: c.4971A>G on transcript NM_001163809.2 (MANE Select); coding-DNA position 4971, A replaced by G.
Protein change: p.Leu1657=; no amino-acid change (leucine 1657 retained).
Molecular consequence: synonymous variant.
Genome position (GRCh38, 1-based): chr17:1,734,008, A>G. VCF-style: chr17-1734008-A-G. GRCh37 (hg19) VCF-style: chr17-1637302-A-G.
Other names: p.Leu1657=; c.1362A>G, p.Leu454= (NM_001163673.2); c.1290A>G, p.Leu430= (NM_001163811.2); c.1818A>G, p.Leu606= (NM_152348.4).
Identifiers: ClinVar variation 130741 (VCV000130741.15), dbSNP rs3809872, ClinGen allele CA155990.